The following is an entry in ClinVar:

NM_001136191.3(KANK2):c.1827C>A (p.Asn609Lys)

Gene: KANK2 (KN motif and ankyrin repeat domains 2; minus strand). Cytogenetic location: 19p13.2.
Variant type: single nucleotide variant.
Coding change: c.1827C>A on transcript NM_001136191.3 (MANE Select); coding-DNA position 1827, C replaced by A.
Protein change: p.Asn609Lys; replaces asparagine 609 with lysine.
Molecular consequence: missense variant.
Genome position (GRCh38, 1-based): chr19:11,175,923, G>T on the plus strand (C>A on the coding strand, the complement: KANK2 is on the minus strand). VCF-style: chr19-11175923-G-T. GRCh37 (hg19) VCF-style: chr19-11286599-G-T.
Other names: c.1827C>A, p.Asn609Lys (NM_001329451.2, NM_001379555.1, NM_001379556.1 and 7 more transcripts); c.1851C>A, p.Asn617Lys (NM_001379548.1, NM_001379549.1, NM_001379550.1 and 5 more transcripts); c.1851C>A (NM_015493.6); short protein forms N609K, N617K.
Identifiers: ClinVar variation 1572287 (VCV001572287.11), dbSNP rs150349589, ClinGen allele CA9205515.

ClinVar aggregate classification (germline): Likely benign. Review status: criteria provided, multiple submitters, no conflicts (2 of 4 stars). 3 submissions from 3 submitters: Likely benign (2). 1 of the submissions does not count toward it. Last evaluated 2025-12-24.

Conditions:
KANK2-related disorder. Also called: KANK2-related condition.

Allele frequency attached by ClinVar (database versions not stated): 1000 Genomes Project 30x 0.00078; 1000 Genomes Project 0.00080; ESP Exome Variant Server 0.00146.
gnomAD v4.1: 267 of 1,613,678 alleles (0.017%); highest among the groups gnomAD compares: African/African-American, 0.31%; 2 homozygotes.

Submissions (3):

Labcorp Genetics (formerly Invitae), Labcorp
Classification: Likely benign. Last evaluated: 2025-12-24. Review status: criteria provided, single submitter. Criteria: Invitae Variant Classification Sherloc (09022015). Collection method: clinical testing. Allele origin: germline.

Ambry Genetics
Classification: Likely benign. Last evaluated: 2025-08-12. Review status: criteria provided, single submitter. Criteria: Ambry Variant Classification Scheme 2023. Collection method: clinical testing. Allele origin: germline.

PreventionGenetics, part of Exact Sciences
Classification: Likely benign for KANK2-related condition. Last evaluated: 2022-03-09. Review status: no assertion criteria provided. Collection method: clinical testing. Allele origin: germline. Not counted in ClinVar's aggregate classification.
Comment: This variant is classified as likely benign based on ACMG/AMP sequence variant interpretation guidelines (Richards et al. 2015 PMID: 25741868, with internal and published modifications).